The following is an entry in ClinVar:

NM_021100.5(NFS1):c.222T>A (p.Leu74=)

Gene: NFS1 (NFS1 cysteine desulfurase; minus strand). Cytogenetic location: 20q11.22.
Variant type: single nucleotide variant.
Coding change: c.222T>A on transcript NM_021100.5 (MANE Select); coding-DNA position 222, T replaced by A.
Protein change: p.Leu74=; no amino-acid change (leucine 74 retained).
Molecular consequence: synonymous variant. On other transcripts: non-coding transcript variant (1).
Genome position (GRCh38, 1-based): chr20:35,697,786, A>T on the plus strand (T>A on the coding strand, the complement: NFS1 is on the minus strand). VCF-style: chr20-35697786-A-T. GRCh37 (hg19) VCF-style: chr20-34285708-A-T.
Other names: c.222T>A, p.Leu74= (NM_001198989.2).
Identifiers: ClinVar variation 388885 (VCV000388885.1), dbSNP rs1057523264, ClinGen allele CA16609038.

ClinVar aggregate classification (germline): Likely benign (1 of 4 stars; one submission).

Submission:

GeneDx
Classification: Likely benign. Last evaluated: 2016-09-08. Review status: criteria provided, single submitter. Criteria: GeneDx Variant Classification (06012015). Collection method: clinical testing. Allele origin: germline. Affected: yes.
Comment: This variant is considered likely benign or benign based on one or more of the following criteria: it is a conservative change, it occurs at a poorly conserved position in the protein, it is predicted to be benign by multiple in silico algorithms, and/or has population frequency not consistent with disease.